The following is an entry in ClinVar:

ClinVar aggregate classification (germline): Uncertain significance (1 of 4 stars; one submission).

Submission:

Labcorp Genetics (formerly Invitae), Labcorp
Classification: Uncertain significance. Last evaluated: 2025-10-02. Review status: criteria provided, single submitter. Criteria: Invitae Variant Classification Sherloc (09022015). Collection method: clinical testing. Allele origin: germline.
Comment: This sequence change replaces glutamic acid, which is acidic and polar, with valine, which is neutral and non-polar, at codon 993 of the SLC12A2 protein (p.Glu993Val). This variant is not present in population databases (gnomAD no frequency). This variant has not been reported in the literature in individuals affected with SLC12A2-related conditions. ClinVar contains an entry for this variant (Variation ID: 2715479). An algorithm developed to predict the effect of missense changes on protein structure and function (PolyPhen-2) suggests that this variant is likely to be tolerated. In summary, the available evidence is currently insufficient to determine the role of this variant in disease. Therefore, it has been classified as a Variant of Uncertain Significance.

NM_001046.3(SLC12A2):c.2978A>T (p.Glu993Val)

Gene: SLC12A2 (solute carrier family 12 member 2; plus strand). Cytogenetic location: 5q23.3.
Variant type: single nucleotide variant.
Coding change: c.2978A>T on transcript NM_001046.3 (MANE Select); coding-DNA position 2978, A replaced by T.
Protein change: p.Glu993Val; replaces glutamic acid 993 with valine.
Molecular consequence: missense variant. On other transcripts: non-coding transcript variant (1).
Genome position (GRCh38, 1-based): chr5:128,178,567, A>T. VCF-style: chr5-128178567-A-T. GRCh37 (hg19) VCF-style: chr5-127514259-A-T.
Other names: c.2930A>T, p.Glu977Val (NM_001256461.2); short protein forms E977V, E993V.
Identifiers: ClinVar variation 2715479 (VCV002715479.3), dbSNP rs2479483625, ClinGen allele CA360738046.